The following is an entry in ClinVar:

ClinVar aggregate classification (germline): Likely benign. Review status: criteria provided, multiple submitters, no conflicts (2 of 4 stars). 4 submissions from 4 submitters: Likely benign (4). Last evaluated 2024-11-28.

Conditions:
Arrhythmogenic cardiomyopathy with wooly hair and keratoderma. Also called: Arrhythmogenic cardiomyopathy with woolly hair and keratoderma; PALMOPLANTAR KERATODERMA WITH LEFT VENTRICULAR CARDIOMYOPATHY AND WOOLLY HAIR; Dilated cardiomyopathy with woolly hair and keratoderma; Carvajal syndrome. Identifiers: Orphanet 65282, MedGen C1854063, MONDO:0011581, OMIM 605676.
Arrhythmogenic right ventricular dysplasia 8 (ARVD8). Also called: Arrhythmogenic Right Ventricular Dysplasia/Cardiomyopathy 8; ARRHYTHMOGENIC RIGHT VENTRICULAR CARDIOMYOPATHY 8; ARRHYTHMOGENIC RIGHT VENTRICULAR DYSPLASIA, FAMILIAL, 8. Identifiers: MedGen C1843896, MONDO:0011831, OMIM 607450.
Cardiovascular phenotype. Identifiers: MedGen CN230736.
Cardiomyopathy (CMYO). Also called: Cardiomyopathies. Identifiers: Orphanet 167848, MedGen C0878544, MONDO:0004994, HP:0001638. Inheritance: Various modes of inheritance.

Allele frequency attached by ClinVar (database versions not stated): gnomAD exomes below 0.00001 and 0.00002; ExAC 0.00001; TOPMed 0.00001.

Submissions (4):

Labcorp Genetics (formerly Invitae), Labcorp
Classification: Likely benign for Arrhythmogenic cardiomyopathy with wooly hair and keratoderma; Arrhythmogenic right ventricular dysplasia 8. Last evaluated: 2024-11-28. Review status: criteria provided, single submitter. Criteria: Invitae Variant Classification Sherloc (09022015). Collection method: clinical testing. Allele origin: germline.

All of Us Research Program, National Institutes of Health
Classification: Likely benign for Arrhythmogenic cardiomyopathy with wooly hair and keratoderma. Last evaluated: 2024-05-14. Review status: criteria provided, single submitter. Criteria: ACMG Guidelines, 2015. Collection method: clinical testing. Allele origin: germline. Inheritance: Autosomal dominant inheritance. Observed: 6 variant alleles, 6 heterozygotes.
Comment: This study involves interpretation of variants in research participants for the purpose of population health screening. Participant phenotype was not available at the time of variant classification. Additional details can be found in publication PMID: 35346344, PMCID: PMC8962531

Ambry Genetics
Classification: Likely benign for Cardiovascular phenotype. Last evaluated: 2024-02-25. Review status: criteria provided, single submitter. Criteria: Ambry Variant Classification Scheme 2023. Collection method: clinical testing. Allele origin: germline.

Color Diagnostics, LLC DBA Color Health
Classification: Likely benign for Cardiomyopathy. Last evaluated: 2023-03-15. Review status: criteria provided, single submitter. Criteria: ACMG Guidelines, 2015. Collection method: clinical testing. Allele origin: germline.

NM_004415.4(DSP):c.2898C>T (p.Ala966=)

Gene: DSP (desmoplakin; plus strand). Cytogenetic location: 6p24.3.
Variant type: single nucleotide variant.
Coding change: c.2898C>T on transcript NM_004415.4 (MANE Select); coding-DNA position 2898, C replaced by T.
Protein change: p.Ala966=; no amino-acid change (alanine 966 retained).
Molecular consequence: synonymous variant.
Genome position (GRCh38, 1-based): chr6:7,577,799, C>T. VCF-style: chr6-7577799-C-T. GRCh37 (hg19) VCF-style: chr6-7578032-C-T.
Other names: c.2898C>T, p.Ala966= (NM_001008844.3, NM_001319034.2); c.2898C>T (NM_004415.2).
Identifiers: ClinVar variation 1131814 (VCV001131814.13), dbSNP rs754665672, ClinGen allele CA036123.
Genomic context (GRCh38, chr6:7,577,799, plus strand): 5'-TCTATGAAGGACACTTTTCTTAAACTTCATTATGCTGCAGGATTATGAGCTCCAGCTGGC[C>T]TCATACACCTCAGGACTGGAAACTCTGCTGAACATACCTATCAAGAGGACCATGATTCAG-3'
Protein context (NP_004406.2, residues 956-976): NSIKDYELQL[Ala966=]SYTSGLETLL